The following is an entry in ClinVar:

ClinVar aggregate classification (germline): Uncertain significance (1 of 4 stars; one submission).

Conditions:
Primary ciliary dyskinesia 19. Also called: CILIARY DYSKINESIA, PRIMARY, 19, WITH OR WITHOUT SITUS INVERSUS. Identifiers: Orphanet 244, MedGen C3543826, MONDO:0013979, OMIM 614935.

Allele frequency attached by ClinVar (database versions not stated): TOPMed 0.00001.
gnomAD v4.1: 2 of 1,610,730 alleles (0.00012%); highest among the groups gnomAD compares: African/African-American, 0.0027%; no homozygotes.

Submission:

Labcorp Genetics (formerly Invitae), Labcorp
Classification: Uncertain significance for Primary ciliary dyskinesia 19. Last evaluated: 2022-06-07. Review status: criteria provided, single submitter. Criteria: Invitae Variant Classification Sherloc (09022015). Collection method: clinical testing. Allele origin: germline.
Comment: This variant has not been reported in the literature in individuals affected with LRRC6-related conditions. This sequence change replaces valine, which is neutral and non-polar, with glutamic acid, which is acidic and polar, at codon 381 of the LRRC6 protein (p.Val381Glu). This variant is not present in population databases (gnomAD no frequency). Algorithms developed to predict the effect of missense changes on protein structure and function are either unavailable or do not agree on the potential impact of this missense change (SIFT: "Deleterious"; PolyPhen-2: "Benign"; Align-GVGD: "Class C0"). In summary, the available evidence is currently insufficient to determine the role of this variant in disease. Therefore, it has been classified as a Variant of Uncertain Significance.

NM_012472.6(DNAAF11):c.1142T>A (p.Val381Glu)

Gene: DNAAF11 (dynein axonemal assembly factor 11; minus strand). Cytogenetic location: 8q24.22.
Variant type: single nucleotide variant.
Coding change: c.1142T>A on transcript NM_012472.6 (MANE Select); coding-DNA position 1142, T replaced by A.
Protein change: p.Val381Glu; replaces valine 381 with glutamic acid.
Molecular consequence: missense variant. On other transcripts: non-coding transcript variant (10).
Genome position (GRCh38, 1-based): chr8:132,583,778, A>T on the plus strand (T>A on the coding strand, the complement: DNAAF11 is on the minus strand). VCF-style: chr8-132583778-A-T. GRCh37 (hg19) VCF-style: chr8-133596025-A-T.
Other names: c.1082T>A, p.Val361Glu (NM_001321961.2); c.896T>A, p.Val299Glu (NM_001321962.2); c.782T>A, p.Val261Glu (NM_001321963.2, NM_001321964.2, NM_001321965.2); c.722T>A, p.Val241Glu (NM_001321966.2); short protein forms V261E, V299E, V381E, V241E, V361E.
Identifiers: ClinVar variation 1980976 (VCV001980976.4), dbSNP rs1815588792, ClinGen allele CA372292294.
Genomic context (GRCh38, chr8:132,583,778, plus strand): 5'-CTGTCCGAGGTAGTTTTCATAGATTTGAATGCTCGCTGACCACCTGTGATTACTTCTCCT[A>T]CCTAAAATAAAAATGAAACACACACCAAGTGGTGCATTACTCCTTGATGTACCTTAAAAA-3'
Protein context (NP_036604.2, residues 371-391): TGHLVICMPK[Val381Glu]GEVITGGQRA